The following is an entry in ClinVar:

NM_001042492.3(NF1):c.534A>T (p.Glu178Asp)

Gene: NF1 (neurofibromin 1; plus strand). Cytogenetic location: 17q11.2.
Variant type: single nucleotide variant.
Coding change: c.534A>T on transcript NM_001042492.3 (MANE Select); coding-DNA position 534, A replaced by T.
Protein change: p.Glu178Asp; replaces glutamic acid 178 with aspartic acid.
Molecular consequence: missense variant.
Genome position (GRCh38, 1-based): chr17:31,169,945, A>T. VCF-style: chr17-31169945-A-T. GRCh37 (hg19) VCF-style: chr17-29496963-A-T.
Other names: c.534A>T, p.Glu178Asp (NM_001128147.3, NM_000267.4); short protein forms E178D.
Identifiers: ClinVar variation 3878999 (VCV003878999.1).

ClinVar aggregate classification (germline): Uncertain significance (1 of 4 stars; one submission).

Conditions:
Cardiovascular phenotype. Identifiers: MedGen CN230736.
Hereditary cancer-predisposing syndrome. Also called: Tumor predisposition; Neoplastic Syndromes, Hereditary; Hereditary Cancer Syndrome; Hereditary neoplastic syndrome. Identifiers: Orphanet 140162, MedGen C0027672, MeSH D009386, MONDO:0015356.

Submission:

Ambry Genetics
Classification: Uncertain significance for Cardiovascular phenotype; Hereditary cancer-predisposing syndrome. Last evaluated: 2024-12-13. Review status: criteria provided, single submitter. Criteria: Ambry Variant Classification Scheme 2023. Collection method: clinical testing. Allele origin: germline.
Comment: The p.E178D variant (also known as c.534A>T), located in coding exon 5 of the NF1 gene, results from an A to T substitution at nucleotide position 534. The glutamic acid at codon 178 is replaced by aspartic acid, an amino acid with highly similar properties. This amino acid position is conserved. In addition, the in silico prediction for this alteration is inconclusive. Based on the available evidence, the clinical significance of this variant remains unclear.